The following is an entry in ClinVar:

NM_001041.4(SI):c.801T>C (p.Pro267=)

Gene: SI (sucrase-isomaltase; minus strand). Cytogenetic location: 3q26.1.
Variant type: single nucleotide variant.
Coding change: c.801T>C on transcript NM_001041.4 (MANE Select); coding-DNA position 801, T replaced by C.
Protein change: p.Pro267=; no amino-acid change (proline 267 retained).
Molecular consequence: synonymous variant.
Genome position (GRCh38, 1-based): chr3:165,065,267, A>G on the plus strand (T>C on the coding strand, the complement: SI is on the minus strand). VCF-style: chr3-165065267-A-G. GRCh37 (hg19) VCF-style: chr3-164783055-A-G.
Other names: p.Pro267=.
Identifiers: ClinVar variation 903240 (VCV000903240.12), dbSNP rs752564085, ClinGen allele CA2691326.
Genomic context (GRCh38, chr3:165,065,267, plus strand): 5'-TTCATCTGCTGCAATATAGTGATTTTATTTATAACAAGAAAAATAATTTCTTACATCACC[A>G]GGAAGTTGGTCTCGAGTAAAAATTGGCCATGTTTTCCAGGATAAATCATGACGAAATCTC-3'
Protein context (NP_001032.2, residues 257-277): TWPIFTRDQL[Pro267=]GDNNNNLYGH

ClinVar aggregate classification (germline): Conflicting classifications of pathogenicity. Review status: criteria provided, conflicting classifications (1 of 4 stars). 3 submissions from 3 submitters: Uncertain significance (1); Likely benign (2). Last evaluated 2025-10-05.

Conditions:
Sucrase-isomaltase deficiency (CSID). Also called: Deficiency of isomaltase; Congenital sucrose isomaltose malabsorption; Sucrose isomaltose enzyme deficiency; SI DEFICIENCY. Identifiers: Orphanet 35122, MedGen C1283620, MONDO:0009114, OMIM 222900.

Allele frequency attached by ClinVar (database versions not stated): gnomAD exomes 0.00003 and 0.00016; ExAC 0.00004; gnomAD 0.00006 and 0.00008; TOPMed 0.00009.
gnomAD v4.1: 244 of 1,593,354 alleles (0.015%); highest among the groups gnomAD compares: Non-Finnish European, 0.02%; no homozygotes.

Submissions (3):

Mayo Clinic Laboratories, Mayo Clinic
Classification: Likely benign. Last evaluated: 2025-10-05. Review status: criteria provided, single submitter. Criteria: ACMG Guidelines, 2015. Collection method: clinical testing. Allele origin: germline. Observed: 1 variant allele.
Comment: BP4, BP7

Labcorp Genetics (formerly Invitae), Labcorp
Classification: Likely benign. Last evaluated: 2024-10-30. Review status: criteria provided, single submitter. Criteria: Invitae Variant Classification Sherloc (09022015). Collection method: clinical testing. Allele origin: germline.

Illumina Laboratory Services, Illumina
Classification: Uncertain significance for Sucrase-isomaltase deficiency. Last evaluated: 2018-01-13. Review status: criteria provided, single submitter. Criteria: ICSL Variant Classification Criteria 13 December 2019. Collection method: clinical testing. Allele origin: germline.